The following is an entry in ClinVar:

ClinVar aggregate classification (germline): Conflicting classifications of pathogenicity. Review status: criteria provided, conflicting classifications (1 of 4 stars). 5 submissions from 5 submitters: Uncertain significance (1); Benign (2); Likely benign (2). Last evaluated 2025-12-18.

Conditions:
Congenital myasthenic syndrome 9. Also called: Myasthenic syndrome, congenital, 9, associated with acetylcholine receptor deficiency. Identifiers: Orphanet 590, MedGen C4225368, MONDO:0014587, OMIM 616325.
Fetal akinesia deformation sequence 1 (FADS1). Also called: Fetal akinesia sequence; Pena-Shokeir syndrome type I. Identifiers: Orphanet 994, MedGen C1276035, MONDO:0100101, OMIM 208150, HP:0001989.

Allele frequency attached by ClinVar (database versions not stated): 1000 Genomes Project 0.00060; gnomAD exomes 0.00080 and 0.00126; TOPMed 0.00025; 1000 Genomes Project 30x 0.00047; ESP Exome Variant Server 0.00049; gnomAD 0.00105; ExAC 0.00117.
gnomAD v4.1: 1,318 of 1,613,300 alleles (0.082%); highest among the groups gnomAD compares: Non-Finnish European, 0.055%; no homozygotes.

Submissions (5):

Labcorp Genetics (formerly Invitae), Labcorp
Classification: Benign for Congenital myasthenic syndrome 9; Fetal akinesia deformation sequence 1. Last evaluated: 2025-12-18. Review status: criteria provided, single submitter. Criteria: Invitae Variant Classification Sherloc (09022015). Collection method: clinical testing. Allele origin: germline.

Mayo Clinic Laboratories, Mayo Clinic
Classification: Benign. Last evaluated: 2025-06-26. Review status: criteria provided, single submitter. Criteria: ACMG Guidelines, 2015. Collection method: clinical testing. Allele origin: germline. Observed: 1 variant allele.
Comment: BA1, BP4, BP7

Blueprint Genetics
Classification: Likely benign. Last evaluated: 2024-11-22. Review status: criteria provided, single submitter. Criteria: ACMG Guidelines, 2015. Collection method: clinical testing. Allele origin: germline.

CeGaT Center for Human Genetics Tuebingen
Classification: Likely benign. Last evaluated: 2024-08-01. Review status: criteria provided, single submitter. Criteria: CeGaT Center For Human Genetics Tuebingen Variant Classification Criteria Version 2. Collection method: clinical testing. Allele origin: germline. Affected: yes. Observed: 2 variant alleles.
Comment: MUSK: BP4, BP7

Illumina Laboratory Services, Illumina
Classification: Uncertain significance for Congenital myasthenic syndrome 9. Last evaluated: 2018-01-12. Review status: criteria provided, single submitter. Criteria: ICSL Variant Classification Criteria 13 December 2019. Collection method: clinical testing. Allele origin: germline.

NM_005592.4(MUSK):c.1683G>A (p.Leu561=)

Gene: MUSK (muscle associated receptor tyrosine kinase; plus strand). Cytogenetic location: 9q31.3.
Variant type: single nucleotide variant.
Coding change: c.1683G>A on transcript NM_005592.4 (MANE Select); coding-DNA position 1683, G replaced by A.
Protein change: p.Leu561=; no amino-acid change (leucine 561 retained).
Molecular consequence: synonymous variant.
Genome position (GRCh38, 1-based): chr9:110,785,623, G>A. VCF-style: chr9-110785623-G-A. GRCh37 (hg19) VCF-style: chr9-113547903-G-A.
Other names: p.Leu561=; c.1425G>A, p.Leu475= (NM_001166280.2); c.1395G>A, p.Leu465= (NM_001166281.2); c.423G>A, p.Leu141= (NM_001369398.1).
Identifiers: ClinVar variation 706306 (VCV000706306.40), dbSNP rs192173278, ClinGen allele CA5184424.